The following is an entry in ClinVar:

ClinVar aggregate classification (germline): Uncertain significance (1 of 4 stars; one submission).

Submission:

Labcorp Genetics (formerly Invitae), Labcorp
Classification: Uncertain significance. Last evaluated: 2021-08-08. Review status: criteria provided, single submitter. Criteria: Invitae Variant Classification Sherloc (09022015). Collection method: clinical testing. Allele origin: germline.
Comment: In summary, the available evidence is currently insufficient to determine the role of this variant in disease. Therefore, it has been classified as a Variant of Uncertain Significance. Experimental studies and prediction algorithms are not available or were not evaluated, and the functional significance of this variant is currently unknown. This variant has not been reported in the literature in individuals affected with COL4A1-related conditions. This variant is not present in population databases (ExAC no frequency). This variant occurs in a non-coding region of the COL4A1 gene. It does not change the encoded amino acid sequence of the COL4A1 protein.

NM_001845.6(COL4A1):c.*31G>C

Gene: COL4A1 (collagen type IV alpha 1 chain; minus strand). Cytogenetic location: 13q34.
Variant type: single nucleotide variant.
Coding change: c.*31G>C on transcript NM_001845.6 (MANE Select); 31 bases downstream of the stop codon, G replaced by C.
Molecular consequence: 3 prime UTR variant.
Genome position (GRCh38, 1-based): chr13:110,150,332, C>G on the plus strand (G>C on the coding strand, the complement: COL4A1 is on the minus strand). VCF-style: chr13-110150332-C-G. GRCh37 (hg19) VCF-style: chr13-110802679-C-G.
Identifiers: ClinVar variation 1511223 (VCV001511223.6), dbSNP rs2138415342, ClinGen allele CA2573149481.